The following is an entry in ClinVar:

ClinVar aggregate classification (germline): Uncertain significance (1 of 4 stars; one submission).

Conditions:
Inborn genetic diseases. Identifiers: MedGen C0950123, MeSH D030342.

gnomAD v4.1: 1 of 1,609,194 alleles (0.000062%); highest among the groups gnomAD compares: African/African-American, 0.0013%; no homozygotes.

Submission:

Ambry Genetics
Classification: Uncertain significance for Inborn genetic diseases. Last evaluated: 2025-08-02. Review status: criteria provided, single submitter. Criteria: Ambry Variant Classification Scheme 2023. Collection method: clinical testing. Allele origin: germline.
Comment: The p.E1596G variant (also known as c.4787A>G), located in coding exon 20 of the FANCM gene, results from an A to G substitution at nucleotide position 4787. The glutamic acid at codon 1596 is replaced by glycine, an amino acid with similar properties. This amino acid position is conserved. In addition, the in silico prediction for this alteration is inconclusive. Based on the available evidence, the clinical significance of this variant remains unclear.

NM_020937.4(FANCM):c.4787A>G (p.Glu1596Gly)

Gene: FANCM (FA complementation group M; plus strand). Cytogenetic location: 14q21.2.
Variant type: single nucleotide variant.
Coding change: c.4787A>G on transcript NM_020937.4 (MANE Select); coding-DNA position 4787, A replaced by G.
Protein change: p.Glu1596Gly; replaces glutamic acid 1596 with glycine.
Molecular consequence: missense variant.
Genome position (GRCh38, 1-based): chr14:45,188,809, A>G. VCF-style: chr14-45188809-A-G. GRCh37 (hg19) VCF-style: chr14-45658012-A-G.
Other names: c.4709A>G, p.Glu1570Gly (NM_001308133.2); short protein forms E1570G, E1596G.
Identifiers: ClinVar variation 4254647 (VCV004254647.1).